The following is an entry in ClinVar:

ClinVar aggregate classification (germline): Uncertain significance (1 of 4 stars; one submission).

Conditions:
Costello syndrome (CSTLO). Also called: FACIOCUTANEOSKELETAL SYNDROME; HRAS-Related Costello Syndrome; FCS SYNDROME. Identifiers: Orphanet 3071, MedGen C0587248, MONDO:0009026, OMIM 218040.

Allele frequency attached by ClinVar (database versions not stated): ExAC 0.00001.

Submission:

Labcorp Genetics (formerly Invitae), Labcorp
Classification: Uncertain significance for Costello syndrome. Last evaluated: 2023-12-27. Review status: criteria provided, single submitter. Criteria: Invitae Variant Classification Sherloc (09022015). Collection method: clinical testing. Allele origin: germline.
Comment: This sequence change replaces serine, which is neutral and polar, with threonine, which is neutral and polar, at codon 136 of the HRAS protein (p.Ser136Thr). This variant is present in population databases (rs748289593, gnomAD 0.006%). This variant has not been reported in the literature in individuals affected with HRAS-related conditions. Advanced modeling of protein sequence and biophysical properties (such as structural, functional, and spatial information, amino acid conservation, physicochemical variation, residue mobility, and thermodynamic stability) performed at Invitae indicates that this missense variant is not expected to disrupt HRAS protein function with a negative predictive value of 95%. In summary, the available evidence is currently insufficient to determine the role of this variant in disease. Therefore, it has been classified as a Variant of Uncertain Significance.

NM_005343.4(HRAS):c.407G>C (p.Ser136Thr)

Genes: HRAS (HRas proto-oncogene, GTPase; minus strand), LRRC56 (leucine rich repeat containing 56; plus strand). Cytogenetic location: 11p15.5.
Variant type: single nucleotide variant.
Coding change: c.407G>C on transcript NM_005343.4 (MANE Select); coding-DNA position 407, G replaced by C.
Protein change: p.Ser136Thr; replaces serine 136 with threonine.
Molecular consequence: missense variant.
Genome position (GRCh38, 1-based): chr11:533,496, C>G on the plus strand (G>C on the coding strand, the complement: HRAS is on the minus strand). VCF-style: chr11-533496-C-G. GRCh37 (hg19) VCF-style: chr11-533496-C-G.
Other names: c.407G>C, p.Ser136Thr (NM_001130442.3, NM_176795.5); c.88G>C, p.Ala30Pro (NM_001318054.2); short protein forms S136T, A30P.
Identifiers: ClinVar variation 2705867 (VCV002705867.3), dbSNP rs748289593, ClinGen allele CA5779315.